The following is an entry in ClinVar:

NM_003978.5(PSTPIP1):c.957C>G (p.Pro319=)

Gene: PSTPIP1 (proline-serine-threonine phosphatase interacting protein 1; plus strand). Cytogenetic location: 15q24.3.
Variant type: single nucleotide variant.
Coding change: c.957C>G on transcript NM_003978.5 (MANE Select); coding-DNA position 957, C replaced by G.
Protein change: p.Pro319=; no amino-acid change (proline 319 retained).
Molecular consequence: synonymous variant. On other transcripts: non-coding transcript variant (1).
Genome position (GRCh38, 1-based): chr15:77,035,535, C>G. VCF-style: chr15-77035535-C-G. GRCh37 (hg19) VCF-style: chr15-77327876-C-G.
Other names: c.900C>G, p.Pro300= (NM_001321135.2); c.930C>G, p.Pro310= (NM_001321136.2); c.1152C>G, p.Pro384= (NM_001321137.1).
Identifiers: ClinVar variation 1077699 (VCV001077699.26), dbSNP rs2076539978, ClinGen allele CA491336053.

ClinVar aggregate classification (germline): Likely benign. Review status: criteria provided, multiple submitters, no conflicts (2 of 4 stars). 2 submissions from 2 submitters: Likely benign (2). Last evaluated 2024-07-01.

Conditions:
Pyogenic arthritis-pyoderma gangrenosum-acne syndrome (PAPA). Also called: FAMILIAL RECURRENT ARTHRITIS; PAPA SYNDROME. Identifiers: Orphanet 69126, MedGen C1858361, MONDO:0011462, OMIM 604416.

Allele frequency attached by ClinVar (database versions not stated): gnomAD exomes below 0.00001; TOPMed 0.00001.
gnomAD v4.1: 2 of 1,592,626 alleles (0.00013%); highest among the groups gnomAD compares: South Asian, 0.0011%; no homozygotes.

Submissions (2):

CeGaT Center for Human Genetics Tuebingen
Classification: Likely benign. Last evaluated: 2024-07-01. Review status: criteria provided, single submitter. Criteria: CeGaT Center For Human Genetics Tuebingen Variant Classification Criteria Version 2. Collection method: clinical testing. Allele origin: germline. Affected: yes. Observed: 1 variant allele.
Comment: PSTPIP1: PM2:Supporting, BP4, BP7

Labcorp Genetics (formerly Invitae), Labcorp
Classification: Likely benign for Pyogenic arthritis-pyoderma gangrenosum-acne syndrome. Last evaluated: 2021-12-25. Review status: criteria provided, single submitter. Criteria: Invitae Variant Classification Sherloc (09022015). Collection method: clinical testing. Allele origin: germline.